The following is an entry in ClinVar:

NM_018127.7(ELAC2):c.984-132C>T

Gene: ELAC2 (elaC ribonuclease Z 2; minus strand). Cytogenetic location: 17p12.
Variant type: single nucleotide variant.
Coding change: c.984-132C>T on transcript NM_018127.7 (MANE Select); 132 bases into the intron before coding-DNA position 984, C replaced by T.
Molecular consequence: intron variant.
Genome position (GRCh38, 1-based): chr17:13,003,706, G>A on the plus strand (C>T on the coding strand, the complement: ELAC2 is on the minus strand). VCF-style: chr17-13003706-G-A. GRCh37 (hg19) VCF-style: chr17-12907023-G-A.
Other names: c.864-132C>T (NM_001165962.2); c.984-132C>T (NM_173717.2).
Identifiers: ClinVar variation 676212 (VCV000676212.2), dbSNP rs77703211, ClinGen allele CA14471191.
Genomic context (GRCh38, chr17:13,003,706, plus strand): 5'-GGGAGGGGTATCGTGCGGCCCTCTGCAGCACTGCAGTGAGCTGACAGCCTCCACGCCCAG[G>A]CCATGCTCTCACAGCAGGCTGCTCACGGCAGACCCCGGTGCTGGGCCATTTCCAATGGAC-3'

ClinVar aggregate classification (germline): Benign. Review status: criteria provided, multiple submitters, no conflicts (2 of 4 stars). 2 submissions from 2 submitters: Benign (2). Last evaluated 2018-06-18.

Allele frequency attached by ClinVar (database versions not stated): 1000 Genomes Project 0.04952; 1000 Genomes Project 30x 0.05028; TOPMed 0.08351; gnomAD 0.08415 and 0.08503; gnomAD exomes 0.10740.

Submissions (2):

GeneDx
Classification: Benign. Last evaluated: 2018-06-18. Review status: criteria provided, single submitter. Criteria: GeneDx Variant Classification (06012015). Collection method: clinical testing. Allele origin: germline. Affected: yes.
Comment: This variant is considered likely benign or benign based on one or more of the following criteria: it is a conservative change, it occurs at a poorly conserved position in the protein, it is predicted to be benign by multiple in silico algorithms, and/or has population frequency not consistent with disease.

Breakthrough Genomics
Classification: Benign. Review status: criteria provided, single submitter. Criteria: ACMG Guidelines, 2015. Collection method: not provided. Allele origin: germline. Inheritance: Autosomal recessive inheritance. Affected: yes.